The following is an entry in ClinVar:

NM_032043.3(BRIP1):c.2251G>T (p.Glu751Ter)

Gene: BRIP1 (BRCA1 interacting DNA helicase 1; minus strand). Cytogenetic location: 17q23.2.
Variant type: single nucleotide variant.
Coding change: c.2251G>T on transcript NM_032043.3 (MANE Select); coding-DNA position 2251, G replaced by T.
Protein change: p.Glu751Ter; replaces glutamic acid 751 with a stop codon.
Molecular consequence: nonsense.
Genome position (GRCh38, 1-based): chr17:61,744,438, C>A on the plus strand (G>T on the coding strand, the complement: BRIP1 is on the minus strand). VCF-style: chr17-61744438-C-A. GRCh37 (hg19) VCF-style: chr17-59821799-C-A.
Other names: short protein forms E751*.
Identifiers: ClinVar variation 3756388 (VCV003756388.2).

ClinVar aggregate classification (germline): Pathogenic (1 of 4 stars; one submission).

Conditions:
Fanconi anemia complementation group J. Also called: BRIP1-Related Fanconi Anemia. Identifiers: Orphanet 84, MedGen C1836860, MONDO:0012187, OMIM 609054.
Familial cancer of breast. Also called: BREAST CANCER, FAMILIAL; Hereditary breast cancer; hereditary breast carcinoma. Identifiers: Orphanet 227535, MedGen C0346153, MONDO:0016419, OMIM 114480. Disease mechanism: loss of function.

Submission:

Labcorp Genetics (formerly Invitae), Labcorp
Classification: Pathogenic for Familial cancer of breast; Fanconi anemia complementation group J. Last evaluated: 2024-05-16. Review status: criteria provided, single submitter. Criteria: Invitae Variant Classification Sherloc (09022015). Collection method: clinical testing. Allele origin: germline.
Comment: This sequence change creates a premature translational stop signal (p.Glu751*) in the BRIP1 gene. It is expected to result in an absent or disrupted protein product. Loss-of-function variants in BRIP1 are known to be pathogenic (PMID: 16116423, 17033622, 21964575). This variant is not present in population databases (gnomAD no frequency). This variant has not been reported in the literature in individuals affected with BRIP1-related conditions. For these reasons, this variant has been classified as Pathogenic.

Literature cited by the submitters: PubMed 16116423; PubMed 17033622; PubMed 21964575.